The following is an entry in ClinVar:

ClinVar aggregate classification (germline): Uncertain significance. Review status: criteria provided, single submitter (1 of 4 stars). 2 submissions from 2 submitters: Uncertain significance (1). 1 of the submissions does not count toward it. Last evaluated 2025-08-14.

Conditions:
Hereditary cancer-predisposing syndrome. Also called: Hereditary neoplastic syndrome; Hereditary Cancer Syndrome; Tumor predisposition; Neoplastic Syndromes, Hereditary. Identifiers: Orphanet 140162, MedGen C0027672, MeSH D009386, MONDO:0015356.
Carcinoma of colon (CRC). Also called: Colon carcinoma; Colonic carcinoma. Identifiers: MedGen C0699790, MONDO:0002032.

Submissions (2):

Ambry Genetics
Classification: Uncertain significance for Hereditary cancer-predisposing syndrome. Last evaluated: 2025-08-14. Review status: criteria provided, single submitter. Criteria: Ambry Variant Classification Scheme 2023. Collection method: clinical testing. Allele origin: germline.
Comment: The p.K997E variant (also known as c.2989A>G), located in coding exon 4 of the MSH6 gene, results from an A to G substitution at nucleotide position 2989. The lysine at codon 997 is replaced by glutamic acid, an amino acid with similar properties. This amino acid position is well conserved in available vertebrate species. In addition, the in silico prediction for this alteration is inconclusive. Based on the available evidence, the clinical significance of this variant remains unclear.

Department of Pathology and Laboratory Medicine, Sinai Health System
Classification: Uncertain significance for Carcinoma of colon. Review status: no assertion criteria provided. Collection method: clinical testing. Allele origin: unknown. Affected: yes. Study: The Canadian Open Genetics Repository (COGR). Not counted in ClinVar's aggregate classification.
Comment: The p.Lys997Glu variant was not identified in the literature nor was it identified in the dbSNP, Clinvitae database, COSMIC, â€šÃ„ÃºMismatch Repair Genes Variant Databaseâ€šÃ„Ã¹, â€šÃ„ÃºMMR Gene Unclassified Variants Databaseâ€šÃ„Ã¹, InSiGHT Colon Cancer Gene Variant Database (LOVD), Zhejiang Colon Cancer Database (LOVD), ClinVar database, GeneInsight - COGR database, and UMD databases. The p.Lys997 residue is conserved in mammals, but not in more distantly related organisms such as fish, and four out of five computational analyses (PolyPhen-2, SIFT, AlignGVGD, BLOSUM, MutationTaster) do not suggest a high likelihood of impact to the protein; however, this information is not predictive enough to rule out pathogenicity. The variant occurs outside of the splicing consensus sequence and 1 out of 5 in silico or computational prediction software programs (SpliceSiteFinder, MaxEntScan, NNSPLICE, GeneSplicer, HumanSpliceFinder) predict a greater than 10% difference in splicing due to the creation of a cryptic splice acceptor site. In summary, based on the above information, the clinical significance of this variant cannot be determined with certainty at this time. This variant is classified as a variant of unknown significance.

NM_000179.3(MSH6):c.2989A>G (p.Lys997Glu)

Gene: MSH6 (mutS homolog 6; plus strand). Cytogenetic location: 2p16.3.
Variant type: single nucleotide variant.
Coding change: c.2989A>G on transcript NM_000179.3 (MANE Select); coding-DNA position 2989, A replaced by G.
Protein change: p.Lys997Glu; replaces lysine 997 with glutamic acid.
Molecular consequence: missense variant.
Genome position (GRCh38, 1-based): chr2:47,800,972, A>G. VCF-style: chr2-47800972-A-G. GRCh37 (hg19) VCF-style: chr2-48028111-A-G.
Other names: c.2599A>G, p.Lys867Glu (NM_001281492.2); c.2083A>G, p.Lys695Glu (NM_001281493.2, NM_001281494.2); short protein forms K997E, K867E, K695E.
Identifiers: ClinVar variation 433919 (VCV000433919.5), dbSNP rs1064794943, ClinGen allele CA346756377.